The following is an entry in ClinVar:

ClinVar aggregate classification (germline): Pathogenic (1 of 4 stars; one submission).

gnomAD v4.1: 2 of 1,614,072 alleles (0.00012%); highest among the groups gnomAD compares: East Asian, 0.0045%; no homozygotes.

Submission:

Labcorp Genetics (formerly Invitae), Labcorp
Classification: Pathogenic. Last evaluated: 2023-12-06. Review status: criteria provided, single submitter. Criteria: Invitae Variant Classification Sherloc (09022015). Collection method: clinical testing. Allele origin: germline.
Comment: This sequence change creates a premature translational stop signal (p.Tyr722*) in the LAMB3 gene. It is expected to result in an absent or disrupted protein product. Loss-of-function variants in LAMB3 are known to be pathogenic (PMID: 11023379, 16473856). This variant is present in population databases (rs552611500, gnomAD 0.01%). This variant has not been reported in the literature in individuals affected with LAMB3-related conditions. ClinVar contains an entry for this variant (Variation ID: 1453922). For these reasons, this variant has been classified as Pathogenic.

Literature cited by the submitters: PubMed 11023379; PubMed 16473856.

NM_000228.3(LAMB3):c.2166C>G (p.Tyr722Ter)

Gene: LAMB3 (laminin subunit beta 3; minus strand). Cytogenetic location: 1q32.2.
Variant type: single nucleotide variant.
Coding change: c.2166C>G on transcript NM_000228.3 (MANE Select); coding-DNA position 2166, C replaced by G.
Protein change: p.Tyr722Ter; replaces tyrosine 722 with a stop codon.
Molecular consequence: nonsense.
Genome position (GRCh38, 1-based): chr1:209,623,697, G>C on the plus strand (C>G on the coding strand, the complement: LAMB3 is on the minus strand). VCF-style: chr1-209623697-G-C. GRCh37 (hg19) VCF-style: chr1-209797042-G-C.
Other names: c.2166C>G, p.Tyr722Ter (NM_001017402.2, NM_001127641.1); short protein forms Y722*.
Identifiers: ClinVar variation 1453922 (VCV001453922.6), dbSNP rs552611500, ClinGen allele CA1375339.